The following is an entry in ClinVar:

NM_001122681.2(SH3BP2):c.343G>A (p.Glu115Lys)

Gene: SH3BP2 (SH3 domain binding protein 2; plus strand). Cytogenetic location: 4p16.3.
Variant type: single nucleotide variant.
Coding change: c.343G>A on transcript NM_001122681.2 (MANE Select); coding-DNA position 343, G replaced by A.
Protein change: p.Glu115Lys; replaces glutamic acid 115 with lysine.
Molecular consequence: missense variant.
Genome position (GRCh38, 1-based): chr4:2,824,716, G>A. VCF-style: chr4-2824716-G-A. GRCh37 (hg19) VCF-style: chr4-2826443-G-A.
Other names: c.427G>A, p.Glu143Lys (NM_001145855.2); c.514G>A, p.Glu172Lys (NM_001145856.2); c.343G>A, p.Glu115Lys (NM_003023.4); short protein forms E143K, E172K, E115K.
Identifiers: ClinVar variation 1415918 (VCV001415918.7), dbSNP rs749467680, ClinGen allele CA356053892.

ClinVar aggregate classification (germline): Uncertain significance. Review status: criteria provided, multiple submitters, no conflicts (2 of 4 stars). 2 submissions from 2 submitters: Uncertain significance (2). Last evaluated 2025-05-20.

Conditions:
Inborn genetic diseases. Identifiers: MedGen C0950123, MeSH D030342.
Fibrous dysplasia of jaw (CRBM). Also called: Cherubism. Identifiers: Orphanet 184, MedGen C0008029, MONDO:0007315, OMIM 118400.

Submissions (2):

Labcorp Genetics (formerly Invitae), Labcorp
Classification: Uncertain significance for Fibrous dysplasia of jaw. Last evaluated: 2025-05-20. Review status: criteria provided, single submitter. Criteria: Invitae Variant Classification Sherloc (09022015). Collection method: clinical testing. Allele origin: germline.
Comment: This sequence change replaces glutamic acid, which is acidic and polar, with lysine, which is basic and polar, at codon 115 of the SH3BP2 protein (p.Glu115Lys). This variant is present in population databases (no rsID available, gnomAD 0.004%). This variant has not been reported in the literature in individuals affected with SH3BP2-related conditions. ClinVar contains an entry for this variant (Variation ID: 1415918). Invitae Evidence Modeling of protein sequence and biophysical properties (such as structural, functional, and spatial information, amino acid conservation, physicochemical variation, residue mobility, and thermodynamic stability) indicates that this missense variant is not expected to disrupt SH3BP2 protein function with a negative predictive value of 95%. In summary, the available evidence is currently insufficient to determine the role of this variant in disease. Therefore, it has been classified as a Variant of Uncertain Significance.

Ambry Genetics
Classification: Uncertain significance for Inborn genetic diseases. Last evaluated: 2022-08-17. Review status: criteria provided, single submitter. Criteria: Ambry Variant Classification Scheme 2023. Collection method: clinical testing. Allele origin: germline.